The following is an entry in ClinVar:

NM_145868.2(ANXA11):c.142C>A (p.Gln48Lys)

Gene: ANXA11 (annexin A11; minus strand). Cytogenetic location: 10q22.3.
Variant type: single nucleotide variant.
Coding change: c.142C>A on transcript NM_145868.2 (MANE Select); coding-DNA position 142, C replaced by A.
Protein change: p.Gln48Lys; replaces glutamine 48 with lysine.
Molecular consequence: missense variant.
Genome position (GRCh38, 1-based): chr10:80,170,829, G>T on the plus strand (C>A on the coding strand, the complement: ANXA11 is on the minus strand). VCF-style: chr10-80170829-G-T. GRCh37 (hg19) VCF-style: chr10-81930585-G-T.
Other names: c.142C>A, p.Gln48Lys (NM_001157.3, NM_001278407.2, NM_001278408.2 and 1 more transcripts); c.43C>A, p.Gln15Lys (NM_001278409.2); short protein forms Q48K, Q15K.
Identifiers: ClinVar variation 4719591 (VCV004719591.1).

ClinVar aggregate classification (germline): Uncertain significance (1 of 4 stars; one submission).

Submission:

Labcorp Genetics (formerly Invitae), Labcorp
Classification: Uncertain significance. Last evaluated: 2025-05-14. Review status: criteria provided, single submitter. Criteria: Invitae Variant Classification Sherloc (09022015). Collection method: clinical testing. Allele origin: germline.
Comment: This sequence change replaces glutamine, which is neutral and polar, with lysine, which is basic and polar, at codon 48 of the ANXA11 protein (p.Gln48Lys). This variant is not present in population databases (gnomAD no frequency). This variant has not been reported in the literature in individuals affected with ANXA11-related conditions. Experimental studies and prediction algorithms are not available or were not evaluated, and the functional significance of this variant is currently unknown. In summary, the available evidence is currently insufficient to determine the role of this variant in disease. Therefore, it has been classified as a Variant of Uncertain Significance.